The following is an entry in ClinVar:

ClinVar aggregate classification (germline): Pathogenic (1 of 4 stars; one submission).

Conditions:
Short stature-brachydactyly-obesity-global developmental delay syndrome. Also called: SHORT STATURE, BRACHYDACTYLY, IMPAIRED INTELLECTUAL DEVELOPMENT, AND SEIZURES; Short stature, brachydactyly, intellectual developmental disability, and seizures. Identifiers: Orphanet 464288, MedGen C4310689, MONDO:0014944, OMIM 617157.

Submission:

Area of Clinical and Molecular Genetics, Hospital Universitario Vall de Hebron
Classification: Pathogenic for Short stature-brachydactyly-obesity-global developmental delay syndrome. Last evaluated: 2018-03-21. Review status: criteria provided, single submitter. Criteria: ACMG Guidelines, 2015. Collection method: clinical testing. Allele origin: paternal. Inheritance: Autosomal recessive inheritance. Affected: yes. Observed: 1 variant allele, 1 compound heterozygote.
Comment: The c.431_432del results in the deletion of 2 nucleotides causing a frameshift at codon 144, that predicts the apparition of a premature stop codon at position 146, which predicts a truncated protein 547 aminoacids shorter than the wild type.

NM_019023.5(PRMT7):c.431_432del (p.Glu144fs)

Gene: PRMT7 (protein arginine methyltransferase 7; plus strand). Cytogenetic location: 16q22.1.
Variant type: Microsatellite.
Coding change: c.431_432del on transcript NM_019023.5 (MANE Select); coding-DNA positions 431 to 432, 2 bases deleted (AG; older notation c.431_432delAG).
Protein change: p.Glu144fs; shifts the reading frame from glutamic acid 144.
Molecular consequence: frameshift variant. On other transcripts: non-coding transcript variant (12).
Genome position (GRCh38, 1-based): chr16:68,337,498-68,337,499, AG deleted; deleting any 2 consecutive bases within chr16:68,337,496-68,337,499 gives the same sequence; the c. name uses the placement nearest the transcript's 3' end. VCF-style (leftmost placement, unchanged base first): chr16-68337495-CAG-C. GRCh37 (hg19) VCF-style: chr16-68371398-CAG-C.
Other names: c.281_282del, p.Glu94fs (NM_001184824.4); c.431_432del, p.Glu144fs (NM_001290018.2, NM_001351143.3, NM_001351144.3 and 1 more transcripts); c.224_225del, p.Glu75fs (NM_001378020.1); c.194_195del, p.Glu65fs (NM_001378021.1, NM_001378022.1, NM_001378023.1); short protein forms E144fs, E94fs, E65fs, E75fs.
Identifiers: ClinVar variation 522559 (VCV000522559.6), dbSNP rs1567690011, ClinGen allele CA658824954.